The following is an entry in ClinVar:

ClinVar aggregate classification (germline): Likely benign. Review status: criteria provided, multiple submitters, no conflicts (2 of 4 stars). 4 submissions from 4 submitters: Likely benign (3). 1 of the submissions does not count toward it. Last evaluated 2026-01-19.

Conditions:
Ullrich congenital muscular dystrophy 2 (UCMD2). Identifiers: Orphanet 75840, MedGen C4225314, MONDO:0014654, OMIM 616470.
Bethlem myopathy 2 (BTHLM2). Identifiers: Orphanet 536516, Orphanet 610, MedGen C4225313, MONDO:0034022, OMIM 616471.
COL12A1-related disorder. Also called: COL12A1-related condition.

Allele frequency attached by ClinVar (database versions not stated): gnomAD 0.00004 and 0.00001; 1000 Genomes Project 0.00020; gnomAD exomes 0.00024; ExAC 0.00032; 1000 Genomes Project 30x 0.00016.
gnomAD v4.1: 204 of 1,596,592 alleles (0.013%); highest among the groups gnomAD compares: South Asian, 0.21%; 2 homozygotes.

Submissions (4):

Women's Health and Genetics/Laboratory Corporation of America, LabCorp
Classification: Likely benign. Last evaluated: 2026-01-19. Review status: criteria provided, single submitter. Criteria: LabCorp Variant Classification Summary - May 2015. Collection method: clinical testing. Allele origin: germline.

Labcorp Genetics (formerly Invitae), Labcorp
Classification: Likely benign for Bethlem myopathy 2; Ullrich congenital muscular dystrophy 2. Last evaluated: 2026-01-06. Review status: criteria provided, single submitter. Criteria: Invitae Variant Classification Sherloc (09022015). Collection method: clinical testing. Allele origin: germline.

Fulgent Genetics
Classification: Likely benign for Ullrich congenital muscular dystrophy 2; Bethlem myopathy 2. Last evaluated: 2021-10-14. Review status: criteria provided, single submitter. Criteria: ACMG Guidelines, 2015. Collection method: clinical testing. Allele origin: unknown.

PreventionGenetics, part of Exact Sciences
Classification: Likely benign for COL12A1-related condition. Last evaluated: 2023-12-11. Review status: no assertion criteria provided. Collection method: clinical testing. Allele origin: germline. Not counted in ClinVar's aggregate classification.
Comment: This variant is classified as likely benign based on ACMG/AMP sequence variant interpretation guidelines (Richards et al. 2015 PMID: 25741868, with internal and published modifications).

NM_004370.6(COL12A1):c.363G>A (p.Val121=)

Gene: COL12A1 (collagen type XII alpha 1 chain; minus strand). Cytogenetic location: 6q13.
Variant type: single nucleotide variant.
Coding change: c.363G>A on transcript NM_004370.6 (MANE Select); coding-DNA position 363, G replaced by A.
Protein change: p.Val121=; no amino-acid change (valine 121 retained).
Molecular consequence: synonymous variant. On other transcripts: intron variant (1).
Genome position (GRCh38, 1-based): chr6:75,191,732, C>T on the plus strand (G>A on the coding strand, the complement: COL12A1 is on the minus strand). VCF-style: chr6-75191732-C-T. GRCh37 (hg19) VCF-style: chr6-75901448-C-T.
Other names: c.73+10988G>A (NM_080645.3); c.363G>A (NM_004370.5).
Identifiers: ClinVar variation 1095946 (VCV001095946.13), dbSNP rs559388395, ClinGen allele CA3894446.